The following is an entry in ClinVar:

ClinVar aggregate classification (germline): Uncertain significance (1 of 4 stars; one submission).

Conditions:
Short-rib thoracic dysplasia 10 with or without polydactyly (SRTD10). Identifiers: Orphanet 474, MedGen C3810175, MONDO:0014284, OMIM 615630.
Retinitis pigmentosa 71 (RP71). Identifiers: Orphanet 791, MedGen C4225342, MONDO:0014618, OMIM 616394.

Submission:

Labcorp Genetics (formerly Invitae), Labcorp
Classification: Uncertain significance for Retinitis pigmentosa 71; Short-rib thoracic dysplasia 10 with or without polydactyly. Last evaluated: 2021-03-25. Review status: criteria provided, single submitter. Criteria: Invitae Variant Classification Sherloc (09022015). Collection method: clinical testing. Allele origin: germline.
Comment: Algorithms developed to predict the effect of missense changes on protein structure and function (SIFT, PolyPhen-2, Align-GVGD) all suggest that this variant is likely to be tolerated, but these predictions have not been confirmed by published functional studies and their clinical significance is uncertain. This variant has not been reported in the literature in individuals with IFT172-related conditions. This variant is not present in population databases (ExAC no frequency). This sequence change replaces glutamine with glutamic acid at codon 1749 of the IFT172 protein (p.Gln1749Glu). The glutamine residue is moderately conserved and there is a small physicochemical difference between glutamine and glutamic acid. In summary, the available evidence is currently insufficient to determine the role of this variant in disease. Therefore, it has been classified as a Variant of Uncertain Significance.

NM_015662.3(IFT172):c.5245C>G (p.Gln1749Glu)

Genes: IFT172 (intraflagellar transport 172; minus strand), KRTCAP3 (keratinocyte associated protein 3; plus strand). Cytogenetic location: 2p23.3.
Variant type: single nucleotide variant.
Coding change: c.5245C>G on transcript NM_015662.3 (MANE Select); coding-DNA position 5245, C replaced by G.
Protein change: p.Gln1749Glu; replaces glutamine 1749 with glutamic acid.
Molecular consequence: missense variant. On other transcripts: intron variant (1).
Genome position (GRCh38, 1-based): chr2:27,444,437, G>C on the plus strand (C>G on the coding strand, the complement: IFT172 is on the minus strand). VCF-style: chr2-27444437-G-C. GRCh37 (hg19) VCF-style: chr2-27667304-G-C.
Other names: c.5179C>G, p.Gln1727Glu (NM_001410739.1); c.*5+376G>C (NM_001168364.2); short protein forms Q1749E, Q1727E.
Identifiers: ClinVar variation 1462335 (VCV001462335.9), dbSNP rs2148462534, ClinGen allele CA346409689.